The following is an entry in ClinVar:

ClinVar aggregate classification (germline): Likely benign (1 of 4 stars; one submission).

Conditions:
ALG5-related disorder. Also called: ALG5-related condition.

gnomAD v4.1: 1,704 of 1,580,724 alleles (0.11%); highest among the groups gnomAD compares: Non-Finnish European, 0.12%; 1 homozygote.

Submission:

PreventionGenetics, part of Exact Sciences
Classification: Likely benign for ALG5-related condition. Last evaluated: 2025-02-26. Review status: criteria provided, single submitter. Criteria: ACMG Guidelines, 2015. Collection method: clinical testing. Allele origin: germline.
Comment: This variant is classified as likely benign based on ACMG/AMP sequence variant interpretation guidelines (Richards et al. 2015 PMID: 25741868, with internal and published modifications).

NM_013338.5(ALG5):c.30G>T (p.Val10=)

Genes: ALG5 (ALG5 dolichyl-phosphate beta-glucosyltransferase; minus strand), LOC130009578 (ATAC-STARR-seq lymphoblastoid silent region 5270; plus strand). Cytogenetic location: 13q13.3.
Variant type: single nucleotide variant.
Coding change: c.30G>T on transcript NM_013338.5 (MANE Select); coding-DNA position 30, G replaced by T.
Protein change: p.Val10=; no amino-acid change (valine 10 retained).
Molecular consequence: synonymous variant.
Genome position (GRCh38, 1-based): chr13:36,999,271, C>A on the plus strand (G>T on the coding strand, the complement: ALG5 is on the minus strand). VCF-style: chr13-36999271-C-A. GRCh37 (hg19) VCF-style: chr13-37573408-C-A.
Other names: c.30G>T, p.Val10= (NM_001142364.1).
Identifiers: ClinVar variation 4988491 (VCV004988491.1).
Genomic context (GRCh38, chr13:36,999,271, plus strand): 5'-GCGGGTTCCCATCCCTGTTCTCACCAGTACGAGGGCTGCGGCCGCCAGCGCCGCGCCGAG[C>A]ACCGCCAGCTGCAACAGAAGCGGAGCCATTCTCCATGCCGTGGCAGCCCGCCCAATCCCG-3'
Protein context (NP_037470.1, residues 1-20): MAPLLLQLA[Val10=]LGAALAAAAL